The following is an entry in ClinVar:

NM_002076.4(GNS):c.1146T>A (p.Ala382=)

Gene: GNS (glucosamine (N-acetyl)-6-sulfatase; minus strand). Cytogenetic location: 12q14.3.
Variant type: single nucleotide variant.
Coding change: c.1146T>A on transcript NM_002076.4 (MANE Select); coding-DNA position 1146, T replaced by A.
Protein change: p.Ala382=; no amino-acid change (alanine 382 retained).
Molecular consequence: synonymous variant.
Genome position (GRCh38, 1-based): chr12:64,729,010, A>T on the plus strand (T>A on the coding strand, the complement: GNS is on the minus strand). VCF-style: chr12-64729010-A-T. GRCh37 (hg19) VCF-style: chr12-65122790-A-T.
Identifiers: ClinVar variation 1525413 (VCV001525413.5), dbSNP rs2136240550, ClinGen allele CA480558180.

ClinVar aggregate classification (germline): Uncertain significance (1 of 4 stars; one submission).

Conditions:
Mucopolysaccharidosis, MPS-III-D (MPS3D). Also called: N-ACETYLGLUCOSAMINE-6-SULFATASE DEFICIENCY; SANFILIPPO SYNDROME D; MPS III D; Mucopoly-saccharidosis type 3D; N-acetylglucosamine-6-sulfate sulfatase deficiency; MPS 3D. Identifiers: Orphanet 581, Orphanet 79272, MedGen C0086650, MONDO:0009658, OMIM 252940.

Submission:

Labcorp Genetics (formerly Invitae), Labcorp
Classification: Uncertain significance for Mucopolysaccharidosis, MPS-III-D. Last evaluated: 2021-08-24. Review status: criteria provided, single submitter. Criteria: Invitae Variant Classification Sherloc (09022015). Collection method: clinical testing. Allele origin: germline.
Comment: This sequence change affects codon 382 of the GNS mRNA. It is a 'silent' change, meaning that it does not change the encoded amino acid sequence of the GNS protein. This variant is not present in population databases (ExAC no frequency). This variant has not been reported in the literature in individuals affected with GNS-related conditions. Algorithms developed to predict the effect of sequence changes on RNA splicing suggest that this variant may create or strengthen a splice site. In summary, the available evidence is currently insufficient to determine the role of this variant in disease. Therefore, it has been classified as a Variant of Uncertain Significance.